The following is an entry in ClinVar:

NM_002439.5(MSH3):c.1341T>C (p.Ser447=)

Gene: MSH3 (mutS homolog 3; plus strand). Cytogenetic location: 5q14.1.
Variant type: single nucleotide variant.
Coding change: c.1341T>C on transcript NM_002439.5 (MANE Select); coding-DNA position 1341, T replaced by C.
Protein change: p.Ser447=; no amino-acid change (serine 447 retained).
Molecular consequence: synonymous variant.
Genome position (GRCh38, 1-based): chr5:80,725,453, T>C. VCF-style: chr5-80725453-T-C. GRCh37 (hg19) VCF-style: chr5-80021272-T-C.
Identifiers: ClinVar variation 1000530 (VCV001000530.8), dbSNP rs1743268592, ClinGen allele CA445157997.
Genomic context (GRCh38, chr5:80,725,453, plus strand): 5'-AATACCAGCATTTCATGATAATGGATAAGTTATCTTTGAAATTTTCCTTTTTTCTTTCAG[T>C]GTGCAGGATGACAGAATTCGAGTCGAAAGGATGGATAACATTTATTTTGAATACAGCCAT-3'
Protein context (NP_002430.3, residues 437-457): EALIHRATSV[Ser447=]VQDDRIRVER

ClinVar aggregate classification (germline): Uncertain significance (1 of 4 stars; one submission).

Allele frequency attached by ClinVar (database versions not stated): gnomAD exomes below 0.00001.
gnomAD v4.1: 1 of 1,610,198 alleles (0.000062%); highest among the groups gnomAD compares: Non-Finnish European, 0.000085%; no homozygotes.

Submission:

Labcorp Genetics (formerly Invitae), Labcorp
Classification: Uncertain significance. Last evaluated: 2024-03-06. Review status: criteria provided, single submitter. Criteria: Invitae Variant Classification Sherloc (09022015). Collection method: clinical testing. Allele origin: germline.
Comment: This sequence change affects codon 447 of the MSH3 mRNA. It is a 'silent' change, meaning that it does not change the encoded amino acid sequence of the MSH3 protein. It affects a nucleotide within the consensus splice site. This variant is not present in population databases (gnomAD no frequency). This variant has not been reported in the literature in individuals affected with MSH3-related conditions. ClinVar contains an entry for this variant (Variation ID: 1000530). Algorithms developed to predict the effect of sequence changes on RNA splicing suggest that this variant is not likely to affect RNA splicing. In summary, the available evidence is currently insufficient to determine the role of this variant in disease. Therefore, it has been classified as a Variant of Uncertain Significance.